The following is an entry in ClinVar:

ClinVar aggregate classification (germline): Pathogenic (3 of 4 stars; one submission).

Conditions:
Monogenic diabetes. Identifiers: Orphanet 183625, MedGen C3888631, MONDO:0015967.

Submission:

ClinGen Monogenic Diabetes Variant Curation Expert Panel
Classification: Pathogenic for Monogenic diabetes. Last evaluated: 2026-10-29. Review status: reviewed by expert panel. Criteria: ClinGen Diabetes ACMG Specifications HNF4A V4.0.0. Collection method: curation. Allele origin: germline. Inheritance: Autosomal dominant inheritance.
Comment: The c.490dup variant in the hepatocyte nuclear factor 4-alpha gene, HNF4A, causes a frameshift in the protein at codon 164 (NM_175914.5), adding 4 novel amino acids before encountering a stop codon (p.(Asp164Glyfs*4)). This variant, located in biologically-relevant exon 5 of 10, is predicted to lead to nonsense mediated decay in a gene for which loss-of-function is an established disease mechanism (PVS1; PMID: 23348805). This variant is absent in gnomAD v4.1.2 (PM2_Supporting). This variant was identified in two unrelated individuals with non-autoimmune and non-absolute/near-absolute insulin-deficient diabetes; however, PS4_Moderate cannot be applied because this number is below the ClinGen MDEP threshold (PMID: 15928245, internal lab contributors). One of these individuals did have a clinical history highly specific for HNF4A-monogenic diabetes (MODY probability calculator result >50%, negative genetic testing for HNF1A, and negative diabetes autoantibodies) (PP4_Moderate; internal lab contributors). In summary, the c.490dup variant meets the criteria to be classified as pathogenic for monogenic diabetes. ACMG/AMP criteria applied (specification version 4.0.0, approved 10/10/2025: PVS1, PM2_Supporting, PP4_Moderate.

Literature cited by the submitters: PubMed 15928245.

NM_175914.5(HNF4A):c.490dup (p.Asp164fs)

Gene: HNF4A (hepatocyte nuclear factor 4 alpha; plus strand). Cytogenetic location: 20q13.12.
Variant type: Duplication.
Coding change: c.490dup on transcript NM_175914.5 (MANE Select); coding-DNA position 490, one base duplicated (G; older notation c.490dupG).
Protein change: p.Asp164fs; shifts the reading frame from aspartic acid 164.
Molecular consequence: frameshift variant.
Genome position (GRCh38, 1-based): chr20:44,414,570, G duplicated. VCF-style (leftmost placement, unchanged base first): chr20-44414569-A-AG. GRCh37 (hg19) VCF-style: chr20-43043209-A-AG.
Other names: NM_175914.5:c.490dup; NM_175914.5(HNF4A):c.490dup; p.Asp164fs; c.556dup, p.Asp186fs (NM_000457.6, NM_178849.3, NM_178850.3); c.490dup, p.Asp164fs (NM_001030003.3, NM_001030004.3); c.535dup, p.Asp179fs (NM_001258355.2); c.481dup, p.Asp161fs (NM_001287182.2, NM_001287183.2, NM_001287184.2); short protein forms D161fs, D164fs, D179fs, D186fs.
Identifiers: ClinVar variation 2578341 (VCV002578341.2), dbSNP rs2515679836, ClinGen allele CA2573106198.
Genomic context (GRCh38, chr20:44,414,569, plus strand): 5'-CACCTCCCCCGTCTCCGGGATCAACGGCGACATTCGGGCGAAGAAGATTGCCAGCATCGC[A>AG]GATGTGTGTGAGTCCATGAAGGAGCAGCTGCTGGTTCTCGTTGAGTGGGCCAAGTACATC-3'